The following is an entry in ClinVar:

NM_006206.6(PDGFRA):c.1559-5C>T

Gene: PDGFRA (platelet derived growth factor receptor alpha; plus strand). Cytogenetic location: 4q12.
Variant type: single nucleotide variant.
Coding change: c.1559-5C>T on transcript NM_006206.6 (MANE Select); 5 bases into the intron before coding-DNA position 1559, C replaced by T.
Molecular consequence: intron variant.
Genome position (GRCh38, 1-based): chr4:54,274,526, C>T. VCF-style: chr4-54274526-C-T. GRCh37 (hg19) VCF-style: chr4-55140693-C-T.
Other names: c.1634-5C>T (NM_001347828.2); c.1559-5C>T (NM_001347827.2, NM_001347829.2, NM_006206.5); c.1598-5C>T (NM_001347830.2).
Identifiers: ClinVar variation 459009 (VCV000459009.18), dbSNP rs773492253, ClinGen allele CA2922615.

ClinVar aggregate classification (germline): Benign/Likely benign. Review status: criteria provided, multiple submitters, no conflicts (2 of 4 stars). 4 submissions from 4 submitters: Benign (2); Likely benign (2). Last evaluated 2026-06-17.

Conditions:
PDGFRA-related disorder. Also called: PDGFRA-related condition.
Polyps, multiple and recurrent inflammatory fibroid, gastrointestinal. Identifiers: MedGen C5193005, MONDO:0008285, OMIM 175510.
Hereditary cancer-predisposing syndrome. Also called: Tumor predisposition; Hereditary neoplastic syndrome; Neoplastic Syndromes, Hereditary; Hereditary Cancer Syndrome. Identifiers: Orphanet 140162, MedGen C0027672, MeSH D009386, MONDO:0015356.
Gastrointestinal stromal tumor. Also called: Gastrointestinal stromal tumor, somatic; Gastrointestinal stroma tumor. Identifiers: Orphanet 44890, MedGen C0238198, MeSH D046152, MONDO:0011719, OMIM 606764, HP:0100723.

Allele frequency attached by ClinVar (database versions not stated): ExAC 0.00002; gnomAD exomes 0.00003 and 0.00006; TOPMed 0.00006; gnomAD 0.00007 and 0.00008.
gnomAD v4.1: 57 of 1,608,534 alleles (0.0035%); highest among the groups gnomAD compares: East Asian, 0.049%; no homozygotes.

Submissions (4):

Myriad Genetics, Inc.
Classification: Benign for Polyps, multiple and recurrent inflammatory fibroid, gastrointestinal. Last evaluated: 2026-06-17. Review status: criteria provided, single submitter. Criteria: Myriad Autosomal Dominant, Autosomal Recessive and X-Linked Classification Criteria (2023). Collection method: clinical testing. Allele origin: unknown.
Comment: This variant is considered benign. This variant is intronic and is not expected to impact mRNA splicing. This variant has been observed at a population frequency that is significantly greater than expected given the associated disease prevalence and penetrance.

Labcorp Genetics (formerly Invitae), Labcorp
Classification: Likely benign for Gastrointestinal stromal tumor. Last evaluated: 2026-02-03. Review status: criteria provided, single submitter. Criteria: Invitae Variant Classification Sherloc (09022015). Collection method: clinical testing. Allele origin: germline.

PreventionGenetics, part of Exact Sciences
Classification: Likely benign for PDGFRA-related condition. Last evaluated: 2025-03-27. Review status: criteria provided, single submitter. Criteria: ACMG Guidelines, 2015. Collection method: clinical testing. Allele origin: germline.
Comment: This variant is classified as likely benign based on ACMG/AMP sequence variant interpretation guidelines (Richards et al. 2015 PMID: 25741868, with internal and published modifications).

Ambry Genetics
Classification: Benign for Hereditary cancer-predisposing syndrome. Last evaluated: 2024-03-20. Review status: criteria provided, single submitter. Criteria: Ambry Variant Classification Scheme 2023. Collection method: clinical testing. Allele origin: germline.